The following is an entry in ClinVar:

ClinVar aggregate classification (germline): Pathogenic. Review status: criteria provided, multiple submitters, no conflicts (2 of 4 stars). 2 submissions from 2 submitters: Pathogenic (2). Last evaluated 2025-05-11.

Conditions:
Retinitis pigmentosa 25 (RP25). Identifiers: Orphanet 791, MedGen C1864446, MONDO:0011272, OMIM 602772.

Submissions (2):

Labcorp Genetics (formerly Invitae), Labcorp
Classification: Pathogenic. Last evaluated: 2025-05-11. Review status: criteria provided, single submitter. Criteria: Invitae Variant Classification Sherloc (09022015). Collection method: clinical testing. Allele origin: germline.
Comment: This sequence change creates a premature translational stop signal (p.Leu2748Metfs*7) in the EYS gene. While this is not anticipated to result in nonsense mediated decay, it is expected to disrupt the last 397 amino acid(s) of the EYS protein. This variant is not present in population databases (gnomAD no frequency). This premature translational stop signal has been observed in individual(s) with retinitis pigmentosa (PMID: 33058741). ClinVar contains an entry for this variant (Variation ID: 2675288). This variant disrupts a region of the EYS protein in which other variant(s) (p.Tyr3135*) have been determined to be pathogenic (PMID: 18976725, 29159838, 30337596, 31074760). This suggests that this is a clinically significant region of the protein, and that variants that disrupt it are likely to be disease-causing. For these reasons, this variant has been classified as Pathogenic.

Baylor Genetics
Classification: Pathogenic for Retinitis pigmentosa 25. Last evaluated: 2023-03-28. Review status: criteria provided, single submitter. Criteria: ACMG Guidelines, 2015. Collection method: clinical testing. Allele origin: unknown.

Literature cited by the submitters: PubMed 33058741 (cited by Labcorp Genetics (formerly Invitae), Labcorp); PubMed 18976725 (cited by Labcorp Genetics (formerly Invitae), Labcorp); PubMed 29159838 (cited by Labcorp Genetics (formerly Invitae), Labcorp); PubMed 30337596 (cited by Labcorp Genetics (formerly Invitae), Labcorp); PubMed 31074760 (cited by Labcorp Genetics (formerly Invitae), Labcorp).

NM_001142800.2(EYS):c.8242_8243del (p.Leu2748fs)

Genes: EYS (EGF-like photoreceptor maintenance factor; minus strand), PHF3 (PHD finger protein 3; plus strand). Cytogenetic location: 6q12.
Variant type: Deletion.
Coding change: c.8242_8243del on transcript NM_001142800.2 (MANE Select); coding-DNA positions 8242 to 8243, 2 bases deleted (TT; older notation c.8242_8243delTT).
Protein change: p.Leu2748fs; shifts the reading frame from leucine 2748.
Molecular consequence: frameshift variant. On other transcripts: 3 prime UTR variant (5).
Genome position (GRCh38, 1-based): chr6:63,721,788-63,721,789, AA deleted on the plus strand (TT on the coding strand, the reverse complement: EYS is on the minus strand); deleting any 2 consecutive bases within chr6:63,721,788-63,721,793 gives the same sequence; the c. name uses the placement nearest the transcript's 3' end. VCF-style (leftmost placement, unchanged base first): chr6-63721787-TAA-T. GRCh37 (hg19) VCF-style: chr6-64431683-TAA-T.
Other names: c.*8084_*8085del (NM_001290259.2, NM_001370348.2, NM_001370349.2 and 2 more transcripts); c.8305_8306del, p.Leu2769fs (NM_001292009.2); short protein forms L2748fs, L2769fs.
Identifiers: ClinVar variation 2675288 (VCV002675288.2), dbSNP rs1240944758, ClinGen allele CA2695198251.